The following is an entry in ClinVar:

ClinVar aggregate classification (germline): Uncertain significance (1 of 4 stars; one submission).

gnomAD v4.1: 2 of 1,551,782 alleles (0.00013%); highest among the groups gnomAD compares: South Asian, 0.0012%; no homozygotes.

Submission:

GeneDx
Classification: Uncertain significance. Last evaluated: 2022-12-09. Review status: criteria provided, single submitter. Criteria: GeneDx Variant Classification Process June 2021. Collection method: clinical testing. Allele origin: germline. Affected: yes.
Comment: Has not been previously published as pathogenic or benign to our knowledge; Not observed at significant frequency in large population cohorts (gnomAD); In silico analysis supports that this missense variant does not alter protein structure/function

NM_001134363.3(RBM20):c.3076G>C (p.Glu1026Gln)

Gene: RBM20 (RNA binding motif protein 20; plus strand). Cytogenetic location: 10q25.2.
Variant type: single nucleotide variant.
Coding change: c.3076G>C on transcript NM_001134363.3 (MANE Select); coding-DNA position 3076, G replaced by C.
Protein change: p.Glu1026Gln; replaces glutamic acid 1026 with glutamine.
Molecular consequence: missense variant.
Genome position (GRCh38, 1-based): chr10:110,821,695, G>C. VCF-style: chr10-110821695-G-C. GRCh37 (hg19) VCF-style: chr10-112581453-G-C.
Other names: short protein forms E1026Q.
Identifiers: ClinVar variation 2504951 (VCV002504951.1), dbSNP rs866975469, ClinGen allele CA378380589.
Genomic context (GRCh38, chr10:110,821,695, plus strand): 5'-GCTGAGCGGAAGCCAGCTGAAAGTGAGACAGGCCTCTCCCTGGAGGATTCAGATTGCTAC[G>C]AGAAGGAGGCAAAGGGAGTGGAGAGCTCAGATGTTCATCCAGCCCCTACAGTCCAGCAAA-3'
Protein context (NP_001127835.2, residues 1016-1036): GLSLEDSDCY[Glu1026Gln]KEAKGVESSD